The following is an entry in ClinVar:

ClinVar aggregate classification (germline): Uncertain significance (1 of 4 stars; one submission).

Conditions:
Neuronal ceroid lipofuscinosis. Also called: Neuronal Ceroid Lipofuscinoses. Identifiers: Orphanet 216, Orphanet 79263, MedGen C0027877, MONDO:0016295. Disease mechanism: loss of function.

Submission:

Labcorp Genetics (formerly Invitae), Labcorp
Classification: Uncertain significance for Neuronal ceroid lipofuscinosis. Last evaluated: 2022-02-27. Review status: criteria provided, single submitter. Criteria: Invitae Variant Classification Sherloc (09022015). Collection method: clinical testing. Allele origin: germline.
Comment: In summary, the available evidence is currently insufficient to determine the role of this variant in disease. Therefore, it has been classified as a Variant of Uncertain Significance. Advanced modeling of protein sequence and biophysical properties (such as structural, functional, and spatial information, amino acid conservation, physicochemical variation, residue mobility, and thermodynamic stability) performed at Invitae indicates that this missense variant is expected to disrupt CLN8 protein function. This variant has not been reported in the literature in individuals affected with CLN8-related conditions. This variant is not present in population databases (gnomAD no frequency). This sequence change replaces lysine, which is basic and polar, with threonine, which is neutral and polar, at codon 61 of the CLN8 protein (p.Lys61Thr).

NM_018941.4(CLN8):c.182A>C (p.Lys61Thr)

Gene: CLN8 (CLN8 transmembrane ER and ERGIC protein; plus strand). Cytogenetic location: 8p23.3.
Variant type: single nucleotide variant.
Coding change: c.182A>C on transcript NM_018941.4 (MANE Select); coding-DNA position 182, A replaced by C.
Protein change: p.Lys61Thr; replaces lysine 61 with threonine.
Molecular consequence: missense variant.
Genome position (GRCh38, 1-based): chr8:1,771,236, A>C. VCF-style: chr8-1771236-A-C. GRCh37 (hg19) VCF-style: chr8-1719402-A-C.
Other names: short protein forms K61T.
Identifiers: ClinVar variation 2103910 (VCV002103910.4), dbSNP rs2486438957, ClinGen allele CA369953034.